The following is an entry in ClinVar:

NM_005359.6(SMAD4):c.1280A>G (p.His427Arg)

Gene: SMAD4 (SMAD family member 4; plus strand). Cytogenetic location: 18q21.2.
Variant type: single nucleotide variant.
Coding change: c.1280A>G on transcript NM_005359.6 (MANE Select); coding-DNA position 1280, A replaced by G.
Protein change: p.His427Arg; replaces histidine 427 with arginine.
Molecular consequence: missense variant.
Genome position (GRCh38, 1-based): chr18:51,067,159, A>G. VCF-style: chr18-51067159-A-G. GRCh37 (hg19) VCF-style: chr18-48593529-A-G.
Other names: short protein forms H427R.
Identifiers: ClinVar variation 490151 (VCV000490151.7), dbSNP rs1555686619, ClinGen allele CA402465021.

ClinVar aggregate classification (germline): Uncertain significance. Review status: criteria provided, multiple submitters, no conflicts (2 of 4 stars). 2 submissions from 2 submitters: Uncertain significance (2). Last evaluated 2026-01-31.

Conditions:
Juvenile polyposis syndrome (JPS). Identifiers: Orphanet 2929, MedGen C0345893, MONDO:0017380, OMIM 174900.
Hereditary cancer-predisposing syndrome. Also called: Tumor predisposition; Neoplastic Syndromes, Hereditary; Hereditary Cancer Syndrome; Hereditary neoplastic syndrome. Identifiers: Orphanet 140162, MedGen C0027672, MeSH D009386, MONDO:0015356.

Allele frequency attached by ClinVar (database versions not stated): gnomAD exomes below 0.00001.
gnomAD v4.1: 2 of 1,604,664 alleles (0.00012%); highest among the groups gnomAD compares: Non-Finnish European, 0.00017%; no homozygotes.

Submissions (2):

Labcorp Genetics (formerly Invitae), Labcorp
Classification: Uncertain significance for Juvenile polyposis syndrome. Last evaluated: 2026-01-31. Review status: criteria provided, single submitter. Criteria: Invitae Variant Classification Sherloc (09022015). Collection method: clinical testing. Allele origin: germline.
Comment: This sequence change replaces histidine, which is basic and polar, with arginine, which is basic and polar, at codon 427 of the SMAD4 protein (p.His427Arg). This variant is not present in population databases (gnomAD no frequency). This variant has not been reported in the literature in individuals affected with SMAD4-related conditions. ClinVar contains an entry for this variant (Variation ID: 490151). Invitae Evidence Modeling of protein sequence and biophysical properties (such as structural, functional, and spatial information, amino acid conservation, physicochemical variation, residue mobility, and thermodynamic stability) has been performed for this missense variant. However, the output from this modeling did not meet the statistical confidence thresholds required to predict the impact of this variant on SMAD4 protein function. In summary, the available evidence is currently insufficient to determine the role of this variant in disease. Therefore, it has been classified as a Variant of Uncertain Significance.

Color Diagnostics, LLC DBA Color Health
Classification: Uncertain significance for Hereditary cancer-predisposing syndrome. Last evaluated: 2023-12-05. Review status: criteria provided, single submitter. Criteria: ACMG Guidelines, 2015. Collection method: clinical testing. Allele origin: germline.
Comment: This missense variant replaces histidine with arginine at codon 427 of the SMAD4 protein. Computational prediction suggests that this variant may have deleterious impact on protein structure and function (internally defined REVEL score threshold >= 0.7, PMID: 27666373). To our knowledge, functional studies have not been reported for this variant. This variant has not been reported in individuals affected with SMAD4-related disorders in the literature. This variant has not been identified in the general population by the Genome Aggregation Database (gnomAD). The available evidence is insufficient to determine the role of this variant in disease conclusively. Therefore, this variant is classified as a Variant of Uncertain Significance.